The following is an entry in ClinVar:

NM_000179.3(MSH6):c.1960_1961del (p.Met654fs)

Gene: MSH6 (mutS homolog 6; plus strand). Cytogenetic location: 2p16.3.
Variant type: Deletion.
Coding change: c.1960_1961del on transcript NM_000179.3 (MANE Select); coding-DNA positions 1960 to 1961, 2 bases deleted (AT; older notation c.1960_1961delAT).
Protein change: p.Met654fs; shifts the reading frame from methionine 654.
Molecular consequence: frameshift variant.
Genome position (GRCh38, 1-based): chr2:47,799,943-47,799,944, AT deleted. VCF-style (leftmost placement, unchanged base first): chr2-47799942-GAT-G. GRCh37 (hg19) VCF-style: chr2-48027081-GAT-G.
Other names: c.1570_1571del, p.Met524fs (NM_001281492.2); c.1054_1055del, p.Met352fs (NM_001281493.2, NM_001281494.2); c.2056_2057delAT, p.Met686Valfs (NM_001406795.1, NM_001406802.1); c.1960_1961delAT, p.Met654Valfs (NM_001406796.1, NM_001406798.1, NM_001406800.1 and 3 more transcripts); c.1663_1664delAT, p.Met555Valfs (NM_001406797.1, NM_001406801.1, NM_001406805.1 and 10 more transcripts); c.1435_1436delAT, p.Met479Valfs (NM_001406799.1, NM_001406806.1, NM_001406807.1); c.1882_1883delAT, p.Met628Valfs (NM_001406804.1); c.1054_1055delAT, p.Met352Valfs (NM_001406811.1, NM_001406812.1, NM_001406814.1 and 4 more transcripts); and 2 more; short protein forms M352fs, M524fs, M654fs.
Identifiers: ClinVar variation 1783417 (VCV001783417.2), dbSNP rs2530641483, ClinGen allele CA2580067737.

ClinVar aggregate classification (germline): Pathogenic (1 of 4 stars; one submission).

Conditions:
Hereditary cancer-predisposing syndrome. Also called: Neoplastic Syndromes, Hereditary; Tumor predisposition; Hereditary Cancer Syndrome; Hereditary neoplastic syndrome. Identifiers: Orphanet 140162, MedGen C0027672, MeSH D009386, MONDO:0015356.

Submission:

Ambry Genetics
Classification: Pathogenic for Hereditary cancer-predisposing syndrome. Last evaluated: 2022-07-25. Review status: criteria provided, single submitter. Criteria: Ambry Variant Classification Scheme 2023. Collection method: clinical testing. Allele origin: germline.
Comment: The c.1960_1961delAT pathogenic mutation, located in coding exon 4 of the MSH6 gene, results from a deletion of two nucleotides at nucleotide positions 1960 to 1961, causing a translational frameshift with a predicted alternate stop codon (p.M654Vfs*6). This variant has been identified as somatic in conjunction with a somatic pathogenic MSH6 variant in a tumor that demonstrated high microsatellite instability with loss of MSH6 expression by immunohistochemistry (Ambry internal data). This variant is considered to be rare based on population cohorts in the Genome Aggregation Database (gnomAD). This alteration is expected to result in loss of function by premature protein truncation or nonsense-mediated mRNA decay. As such, this alteration is interpreted as a disease-causing mutation.